The following is an entry in ClinVar:

NM_198994.3(TGM6):c.-36T>C

Gene: TGM6 (transglutaminase 6; plus strand). Cytogenetic location: 20p13.
Variant type: single nucleotide variant.
Coding change: c.-36T>C on transcript NM_198994.3 (MANE Select); 36 bases upstream of the start codon, T replaced by C.
Molecular consequence: 5 prime UTR variant.
Genome position (GRCh38, 1-based): chr20:2,380,933, T>C. VCF-style: chr20-2380933-T-C. GRCh37 (hg19) VCF-style: chr20-2361579-T-C.
Other names: c.-36T>C (NM_001254734.2).
Identifiers: ClinVar variation 337898 (VCV000337898.5), dbSNP rs371018532, ClinGen allele CA9731481.

ClinVar aggregate classification (germline): Benign (1 of 4 stars; one submission).

Conditions:
Spinocerebellar ataxia type 35. Identifiers: Orphanet 276193, MedGen C3888031, MONDO:0013485, OMIM 613908.

Allele frequency attached by ClinVar (database versions not stated): gnomAD below 0.00001 and 0.00018; TOPMed 0.00003; ExAC 0.00095; 1000 Genomes Project 30x 0.00219; 1000 Genomes Project 0.00260.
gnomAD v4.1: 463 of 1,603,300 alleles (0.029%); highest among the groups gnomAD compares: South Asian, 0.49%; 5 homozygotes.

Submission:

Illumina Laboratory Services, Illumina
Classification: Benign for Spinocerebellar ataxia type 35. Last evaluated: 2018-01-13. Review status: criteria provided, single submitter. Criteria: ICSL Variant Classification Criteria 13 December 2019. Collection method: clinical testing. Allele origin: germline.
Comment: This variant was observed in the ICSL laboratory as part of a predisposition screen in an ostensibly healthy population. It had not been previously curated by ICSL or reported in the Human Gene Mutation Database (HGMD: prior to June 1st, 2018), and was therefore a candidate for classification through an automated scoring system. Utilizing variant allele frequency, disease prevalence and penetrance estimates, and inheritance mode, an automated score was calculated to assess if this variant is too frequent to cause the disease. Based on the score and internal cut-off values, a variant classified as benign is not then subjected to further curation. The score for this variant resulted in a classification of benign for this disease.